The following is an entry in ClinVar:

ClinVar aggregate classification (germline): Benign/Likely benign. Review status: criteria provided, multiple submitters, no conflicts (2 of 4 stars). 9 submissions from 9 submitters: Benign (5); Likely benign (3). 1 of the submissions does not count toward it. Last evaluated 2026-02-04.

Conditions:
Polycystic kidney disease 4 (PKD4). Also called: Autosomal Recessive Polycystic Kidney Disease – PKHD1; POLYCYSTIC KIDNEY DISEASE 4 WITH OR WITHOUT POLYCYSTIC LIVER DISEASE; PKD3; POLYCYSTIC KIDNEY AND HEPATIC DISEASE 1; POLYCYSTIC KIDNEY DISEASE, INFANTILE, TYPE I. Identifiers: MedGen C4540575, MONDO:0033004, OMIM 263200.
Autosomal recessive polycystic kidney disease (ARPKD). Also called: AR polycystic kidney disease. Identifiers: Orphanet 731, Orphanet 8378, MedGen C0085548, MeSH D017044, MONDO:0009889.

Allele frequency attached by ClinVar (database versions not stated): gnomAD 0.01291; 1000 Genomes Project 0.01358; TOPMed 0.01394; 1000 Genomes Project 30x 0.01499; ESP Exome Variant Server 0.01499.
gnomAD v4.1: 3,900 of 1,613,450 alleles (0.24%); highest among the groups gnomAD compares: African/African-American, 4.4%; 59 homozygotes.

Submissions (9):

Labcorp Genetics (formerly Invitae), Labcorp
Classification: Benign for Autosomal recessive polycystic kidney disease. Last evaluated: 2026-02-04. Review status: criteria provided, single submitter. Criteria: Invitae Variant Classification Sherloc (09022015). Collection method: clinical testing. Allele origin: germline.

Mayo Clinic Laboratories, Mayo Clinic
Classification: Benign. Last evaluated: 2024-01-30. Review status: criteria provided, single submitter. Criteria: ACMG Guidelines, 2015. Collection method: clinical testing. Allele origin: germline. Observed: 16 variant alleles.
Comment: BA1, BS2, BP4, BP7

Department of Pathology and Laboratory Medicine, Sinai Health System
Classification: Benign for Polycystic kidney disease 4. Last evaluated: 2022-05-11. Review status: criteria provided, single submitter. Criteria: ACMG Guidelines, 2015. Collection method: clinical testing. Allele origin: germline. Affected: yes.

GeneDx
Classification: Likely benign. Last evaluated: 2021-05-19. Review status: criteria provided, single submitter. Criteria: GeneDx Variant Classification Process June 2021. Collection method: clinical testing. Allele origin: germline. Affected: yes.

Women's Health and Genetics/Laboratory Corporation of America, LabCorp
Classification: Likely benign. Last evaluated: 2019-09-06. Review status: criteria provided, single submitter. Criteria: LabCorp Variant Classification Summary - May 2015. Collection method: clinical testing. Allele origin: germline.

Illumina Laboratory Services, Illumina
Classification: Benign for Polycystic kidney disease 4. Last evaluated: 2017-06-19. Review status: criteria provided, single submitter. Criteria: ICSL Variant Classification Criteria 13 December 2019. Collection method: clinical testing. Allele origin: germline.
Comment: This variant was observed as part of a predisposition screen in an ostensibly healthy population. A literature search was performed for the gene, cDNA change, and amino acid change (where applicable). No publications were found based on this search. Allele frequency data from public databases was too high to be consistent with this variant causing disease. Therefore, this variant is classified as benign.

Eurofins Ntd Llc (ga)
Classification: Benign. Last evaluated: 2014-01-14. Review status: criteria provided, single submitter. Criteria: EGL Classification Definitions 2015. Collection method: clinical testing. Allele origin: germline. Observed: 4 variant alleles, 4 heterozygotes.

Breakthrough Genomics
Classification: Likely benign. Review status: criteria provided, single submitter. Criteria: ACMG Guidelines, 2015. Collection method: not provided. Allele origin: germline. Inheritance: Autosomal recessive inheritance. Affected: yes.

Natera, Inc.
Classification: Benign for Autosomal recessive polycystic kidney disease. Last evaluated: 2017-06-30. Review status: no assertion criteria provided. Collection method: clinical testing. Allele origin: germline. Not counted in ClinVar's aggregate classification.

Literature cited by the submitters: PubMed 15698423 (cited by Women's Health and Genetics/Laboratory Corporation of America, LabCorp); PubMed 15805161 (cited by Women's Health and Genetics/Laboratory Corporation of America, LabCorp).

NM_138694.4(PKHD1):c.8673C>G (p.Arg2891=)

Gene: PKHD1 (PKHD1 ciliary IPT domain containing fibrocystin/polyductin; minus strand). Cytogenetic location: 6p12.3.
Variant type: single nucleotide variant.
Coding change: c.8673C>G on transcript NM_138694.4 (MANE Select); coding-DNA position 8673, C replaced by G.
Protein change: p.Arg2891=; no amino-acid change (arginine 2891 retained).
Molecular consequence: synonymous variant.
Genome position (GRCh38, 1-based): chr6:51,754,908, G>C on the plus strand (C>G on the coding strand, the complement: PKHD1 is on the minus strand). VCF-style: chr6-51754908-G-C. GRCh37 (hg19) VCF-style: chr6-51619706-G-C.
Other names: p.Arg2891=; c.8673C>G, p.Arg2891= (NM_170724.3).
Identifiers: ClinVar variation 167480 (VCV000167480.30), dbSNP rs116098879, ClinGen allele CA180303.